The following is an entry in ClinVar:

ClinVar aggregate classification (germline): Uncertain significance. Review status: criteria provided, single submitter (1 of 4 stars). 2 submissions from 2 submitters: Uncertain significance (1). 1 of the submissions does not count toward it. Last evaluated 2025-02-11.

Conditions:
MIB1-related disorder. Also called: MIB1-related condition.

Allele frequency attached by ClinVar (database versions not stated): ESP Exome Variant Server 0.00015; gnomAD 0.00026; TOPMed 0.00032; gnomAD exomes 0.00033 and 0.00044; ExAC 0.00036; 1000 Genomes Project 30x 0.00047; 1000 Genomes Project 0.00040.
gnomAD v4.1: 646 of 1,560,828 alleles (0.041%); highest among the groups gnomAD compares: Non-Finnish European, 0.052%; 1 homozygote.

Submissions (2):

GeneDx
Classification: Uncertain significance. Last evaluated: 2025-02-11. Review status: criteria provided, single submitter. Criteria: GeneDx Variant Classification Process June 2021. Collection method: clinical testing. Allele origin: germline. Affected: yes.
Comment: Reported in association with dilated cardiomyopathy; however, specific clinical information was not provided (PMID: 30847666); In silico analysis indicates that this missense variant does not alter protein structure/function; This variant is associated with the following publications: (PMID: 30847666)

PreventionGenetics, part of Exact Sciences
Classification: Likely benign for MIB1-related condition. Last evaluated: 2024-02-05. Review status: no assertion criteria provided. Collection method: clinical testing. Allele origin: germline. Not counted in ClinVar's aggregate classification.
Comment: This variant is classified as likely benign based on ACMG/AMP sequence variant interpretation guidelines (Richards et al. 2015 PMID: 25741868, with internal and published modifications).

NM_020774.4(MIB1):c.2411G>A (p.Arg804Gln)

Gene: MIB1 (MIB E3 ubiquitin protein ligase 1; plus strand). Cytogenetic location: 18q11.2.
Variant type: single nucleotide variant.
Coding change: c.2411G>A on transcript NM_020774.4 (MANE Select); coding-DNA position 2411, G replaced by A.
Protein change: p.Arg804Gln; replaces arginine 804 with glutamine.
Molecular consequence: missense variant.
Genome position (GRCh38, 1-based): chr18:21,849,213, G>A. VCF-style: chr18-21849213-G-A. GRCh37 (hg19) VCF-style: chr18-19429174-G-A.
Other names: short protein forms R804Q.
Identifiers: ClinVar variation 432947 (VCV000432947.13), dbSNP rs200809199, ClinGen allele CA8908611.